The following is an entry in ClinVar:

ClinVar aggregate classification (germline): Uncertain significance (1 of 4 stars; one submission).

Submission:

Labcorp Genetics (formerly Invitae), Labcorp
Classification: Uncertain significance. Last evaluated: 2021-07-28. Review status: criteria provided, single submitter. Criteria: Invitae Variant Classification Sherloc (09022015). Collection method: clinical testing. Allele origin: germline.
Comment: This sequence change replaces glycine with arginine at codon 901 of the COL11A2 protein (p.Gly901Arg). The glycine residue is highly conserved and there is a moderate physicochemical difference between glycine and arginine. The frequency data for this variant in the population databases is not available, as this variant may be reported as separate entries in the ExAC database. This variant has not been reported in the literature in individuals affected with COL11A2-related conditions. Experimental studies and prediction algorithms are not available or were not evaluated, and the functional significance of this variant is currently unknown. In summary, the available evidence is currently insufficient to determine the role of this variant in disease. Therefore, it has been classified as a Variant of Uncertain Significance.

NM_080680.3(COL11A2):c.2700_2701delinsCC (p.Gly901Arg)

Gene: COL11A2 (collagen type XI alpha 2 chain; minus strand). Cytogenetic location: 6p21.32.
Variant type: Indel.
Coding change: c.2700_2701delinsCC on transcript NM_080680.3 (MANE Select); coding-DNA positions 2700 to 2701, TG replaced by CC.
Protein change: p.Gly901Arg; replaces glycine 901 with arginine.
Molecular consequence: missense variant.
Genome position (GRCh38, 1-based): chr6:33,173,383-33,173,384, CA replaced by GG on the plus strand (TG replaced by CC on the coding strand, the reverse complement: COL11A2 is on the minus strand). VCF-style: chr6-33173383-CA-GG. GRCh37 (hg19) VCF-style: chr6-33141160-CA-GG.
Other names: c.2379_2380delinsCC, p.Gly794Arg (NM_080679.3); c.2442_2443delinsCC, p.Gly815Arg (NM_080681.3); short protein forms G815R, G901R, G794R.
Identifiers: ClinVar variation 1463374 (VCV001463374.6), dbSNP rs2150555407, ClinGen allele CA2573140218.